The following is an entry in ClinVar:

NM_004415.4(DSP):c.6151G>A (p.Ala2051Thr)

Gene: DSP (desmoplakin; plus strand). Cytogenetic location: 6p24.3.
Variant type: single nucleotide variant.
Coding change: c.6151G>A on transcript NM_004415.4 (MANE Select); coding-DNA position 6151, G replaced by A.
Protein change: p.Ala2051Thr; replaces alanine 2051 with threonine.
Molecular consequence: missense variant.
Genome position (GRCh38, 1-based): chr6:7,583,413, G>A. VCF-style: chr6-7583413-G-A. GRCh37 (hg19) VCF-style: chr6-7583646-G-A.
Other names: c.4354G>A, p.Ala1452Thr (NM_001008844.3); c.4822G>A, p.Ala1608Thr (NM_001319034.2); short protein forms A1452T, A1608T, A2051T.
Identifiers: ClinVar variation 3074968 (VCV003074968.1), dbSNP rs2533939564, ClinGen allele CA362690187.

ClinVar aggregate classification (germline): Uncertain significance (1 of 4 stars; one submission).

Conditions:
Arrhythmogenic cardiomyopathy with wooly hair and keratoderma. Also called: PALMOPLANTAR KERATODERMA WITH LEFT VENTRICULAR CARDIOMYOPATHY AND WOOLLY HAIR; Carvajal syndrome; Dilated cardiomyopathy with woolly hair and keratoderma; Arrhythmogenic cardiomyopathy with woolly hair and keratoderma. Identifiers: Orphanet 65282, MedGen C1854063, MONDO:0011581, OMIM 605676.

Submission:

All of Us Research Program, National Institutes of Health
Classification: Uncertain significance for Arrhythmogenic cardiomyopathy with wooly hair and keratoderma. Last evaluated: 2024-01-11. Review status: criteria provided, single submitter. Criteria: ACMG Guidelines, 2015. Collection method: clinical testing. Allele origin: germline. Inheritance: Autosomal dominant inheritance. Observed: 1 variant allele, 1 heterozygote.
Comment: This study involves interpretation of variants in research participants for the purpose of population health screening. Participant phenotype was not available at the time of variant classification. Additional details can be found in publication PMID: 35346344, PMCID: PMC8962531